The following is an entry in ClinVar:

NM_024426.6(WT1):c.174C>G (p.Leu58=)

Genes: WT1 (WT1 transcription factor; minus strand), LOC107982234 (WT1/WT1-AS bi-directional promoter region; plus strand). Cytogenetic location: 11p13.
Variant type: single nucleotide variant.
Coding change: c.174C>G on transcript NM_024426.6 (MANE Select); coding-DNA position 174, C replaced by G.
Protein change: p.Leu58=; no amino-acid change (leucine 58 retained).
Molecular consequence: synonymous variant. On other transcripts: non-coding transcript variant (1).
Genome position (GRCh38, 1-based): chr11:32,435,187, G>C on the plus strand (C>G on the coding strand, the complement: WT1 is on the minus strand). VCF-style: chr11-32435187-G-C. GRCh37 (hg19) VCF-style: chr11-32456733-G-C.
Other names: c.174C>G, p.Leu58= (NM_000378.6, NM_024424.5).
Identifiers: ClinVar variation 304428 (VCV000304428.47), dbSNP rs886048232, ClinGen allele CA10634700.

ClinVar aggregate classification (germline): Conflicting classifications of pathogenicity. Review status: criteria provided, conflicting classifications (1 of 4 stars). 9 submissions from 7 submitters: Uncertain significance (3); Likely benign (5). 1 of the submissions does not count toward it. Last evaluated 2025-07-30.

Conditions:
Inborn genetic diseases. Identifiers: MedGen C0950123, MeSH D030342.
WT1-related disorder. Also called: WT1-related disorders. Identifiers: MedGen CN377814.
Frasier syndrome. Identifiers: Orphanet 347, MedGen C0950122, MeSH D052159, MONDO:0007635, OMIM 136680.
Drash syndrome (DDS). Also called: NEPHROPATHY, WILMS TUMOR, AND GENITAL ANOMALIES; WILMS TUMOR AND PSEUDO- OR TRUE HERMAPHRODITISM. Identifiers: Orphanet 220, MedGen C0950121, MONDO:0008682, OMIM 194080.
Wilms tumor 1 (WT1). Also called: Wilms tumor, somatic. Identifiers: Orphanet 654, MedGen CN033288, MONDO:0008679, OMIM 194070.
11p partial monosomy syndrome (WAGR). Also called: CHROMOSOME 11p13 DELETION SYNDROME; WAGR syndrome; WAGR Spectrum Disorder; WAGR Complex. Identifiers: Orphanet 893, MedGen C0206115, MONDO:0008681, OMIM 194072.
Nephrotic syndrome, type 4 (NPHS4). Also called: Familial mesangial sclerosis; Nephrotic syndrome, early onset with diffuse mesangial sclerosis. Identifiers: Orphanet 656, MedGen C3151568, MONDO:0009733, OMIM 256370.
Meacham syndrome. Also called: Meacham Winn Culler syndrome. Identifiers: Orphanet 3097, MedGen C1837026, MONDO:0012164, OMIM 608978.
Hereditary cancer-predisposing syndrome. Also called: Tumor predisposition; Neoplastic Syndromes, Hereditary; Hereditary neoplastic syndrome; Hereditary Cancer Syndrome. Identifiers: Orphanet 140162, MedGen C0027672, MeSH D009386, MONDO:0015356.

Allele frequency attached by ClinVar (database versions not stated): gnomAD exomes 0.00001.
gnomAD v4.1: 9 of 1,526,800 alleles (0.00059%); highest among the groups gnomAD compares: Non-Finnish European, 0.0007%; no homozygotes.

Submissions (9):

Labcorp Genetics (formerly Invitae), Labcorp
Classification: Likely benign for Wilms tumor 1; Drash syndrome; 11p partial monosomy syndrome; Frasier syndrome. Last evaluated: 2025-07-30. Review status: criteria provided, single submitter. Criteria: Invitae Variant Classification Sherloc (09022015). Collection method: clinical testing. Allele origin: germline.

Ambry Genetics
Classification: Likely benign for Inborn genetic diseases. Last evaluated: 2024-11-22. Review status: criteria provided, single submitter. Criteria: Ambry Variant Classification Scheme 2023. Collection method: clinical testing. Allele origin: germline.

CeGaT Center for Human Genetics Tuebingen
Classification: Likely benign. Last evaluated: 2022-08-01. Review status: criteria provided, single submitter. Criteria: CeGaT Center For Human Genetics Tuebingen Variant Classification Criteria Version 2. Collection method: clinical testing. Allele origin: germline. Affected: yes. Observed: 1 variant allele.
Comment: WT1: PM2:Supporting, BP4, BP7

Sema4
Classification: Likely benign for Hereditary cancer-predisposing syndrome. Last evaluated: 2020-12-23. Review status: criteria provided, single submitter. Criteria: Sema4 Curation Guidelines. Collection method: curation. Allele origin: germline.

Blueprint Genetics
Classification: Likely benign. Last evaluated: 2020-09-28. Review status: criteria provided, single submitter. Criteria: ACMG Guidelines, 2015. Collection method: clinical testing. Allele origin: germline.

Illumina Laboratory Services, Illumina
Classification: Uncertain significance for Wilms tumor 1. Last evaluated: 2018-01-13. Review status: criteria provided, single submitter. Criteria: ICSL Variant Classification Criteria 13 December 2019. Collection method: clinical testing. Allele origin: germline.

Illumina Laboratory Services, Illumina
Classification: Uncertain significance for Meacham syndrome. Last evaluated: 2018-01-13. Review status: criteria provided, single submitter. Criteria: ICSL Variant Classification Criteria 13 December 2019. Collection method: clinical testing. Allele origin: germline.

Illumina Laboratory Services, Illumina
Classification: Uncertain significance for Nephrotic syndrome, type 4. Last evaluated: 2018-01-13. Review status: criteria provided, single submitter. Criteria: ICSL Variant Classification Criteria 13 December 2019. Collection method: clinical testing. Allele origin: germline.

PreventionGenetics, part of Exact Sciences
Classification: Likely benign for WT1-related condition. Last evaluated: 2024-01-02. Review status: no assertion criteria provided. Collection method: clinical testing. Allele origin: germline. Not counted in ClinVar's aggregate classification.
Comment: This variant is classified as likely benign based on ACMG/AMP sequence variant interpretation guidelines (Richards et al. 2015 PMID: 25741868, with internal and published modifications).